The following is an entry in ClinVar:

NM_000037.4(ANK1):c.*2022G>A

Gene: ANK1 (ankyrin 1; minus strand). Cytogenetic location: 8p11.21.
Variant type: single nucleotide variant.
Coding change: c.*2022G>A on transcript NM_000037.4 (MANE Select); 2022 bases downstream of the stop codon, G replaced by A.
Molecular consequence: 3 prime UTR variant.
Genome position (GRCh38, 1-based): chr8:41,653,768, C>T on the plus strand (G>A on the coding strand, the complement: ANK1 is on the minus strand). VCF-style: chr8-41653768-C-T. GRCh37 (hg19) VCF-style: chr8-41511287-C-T.
Other names: c.*1959G>A (NM_001142445.2, NM_001142446.2, NM_020475.3 and 3 more transcripts); c.*2022G>A (NM_020478.5).
Identifiers: ClinVar variation 362956 (VCV000362956.6), dbSNP rs112447985, ClinGen allele CA10627786.

ClinVar aggregate classification (germline): Benign/Likely benign. Review status: criteria provided, multiple submitters, no conflicts (2 of 4 stars). 3 submissions from 2 submitters: Benign (1); Likely benign (2). Last evaluated 2018-01-13.

Conditions:
Spherocytosis. Identifiers: MedGen C0553720, HP:0004444.
Hereditary spherocytosis type 1. Also called: Spherocytosis type 1; ANK1-Related Spherocytosis. Identifiers: Orphanet 822, MedGen C2674218, MONDO:0008447, OMIM 182900.

Allele frequency attached by ClinVar (database versions not stated): 1000 Genomes Project 0.01717; 1000 Genomes Project 30x 0.01718; gnomAD 0.01975 and 0.02108; TOPMed 0.02131.

Submissions (3):

Illumina Laboratory Services, Illumina
Classification: Benign for Hereditary spherocytosis type 1. Last evaluated: 2018-01-13. Review status: criteria provided, single submitter. Criteria: ICSL Variant Classification Criteria 13 December 2019. Collection method: clinical testing. Allele origin: germline.
Comment: This variant was observed in the ICSL laboratory as part of a predisposition screen in an ostensibly healthy population. It had not been previously curated by ICSL or reported in the Human Gene Mutation Database (HGMD: prior to June 1st, 2018), and was therefore a candidate for classification through an automated scoring system. Utilizing variant allele frequency, disease prevalence and penetrance estimates, and inheritance mode, an automated score was calculated to assess if this variant is too frequent to cause the disease. Based on the score and internal cut-off values, a variant classified as benign is not then subjected to further curation. The score for this variant resulted in a classification of benign for this disease.

Illumina Laboratory Services, Illumina
Classification: Likely benign for Spherocytosis. Last evaluated: 2018-01-13. Review status: criteria provided, single submitter. Criteria: ICSL Variant Classification Criteria 13 December 2019. Collection method: clinical testing. Allele origin: germline.
Comment: This variant was observed in the ICSL laboratory as part of a predisposition screen in an ostensibly healthy population. It had not been previously curated by ICSL or reported in the Human Gene Mutation Database (HGMD: prior to June 1st, 2018), and was therefore a candidate for classification through an automated scoring system. Utilizing variant allele frequency, disease prevalence and penetrance estimates, and inheritance mode, an automated score was calculated to assess if this variant is too frequent to cause the disease. Based on the score and internal cut-off values, a variant classified as likely benign is not then subjected to further curation. The score for this variant resulted in a classification of likely benign for this disease.

Breakthrough Genomics
Classification: Likely benign. Review status: criteria provided, single submitter. Criteria: ACMG Guidelines, 2015. Collection method: not provided. Allele origin: germline. Inheritance: Autosomal dominant inheritance. Affected: yes.